The following is an entry in ClinVar:

NM_198525.3(KIF7):c.3480C>G (p.His1160Gln)

Genes: KIF7 (kinesin family member 7; minus strand), LOC126862216 (BRD4-independent group 4 enhancer GRCh37_chr15:90171995-90173194; plus strand). Cytogenetic location: 15q26.1.
Variant type: single nucleotide variant.
Coding change: c.3480C>G on transcript NM_198525.3 (MANE Select); coding-DNA position 3480, C replaced by G.
Protein change: p.His1160Gln; replaces histidine 1160 with glutamine.
Molecular consequence: missense variant.
Genome position (GRCh38, 1-based): chr15:89,629,412, G>C on the plus strand (C>G on the coding strand, the complement: KIF7 is on the minus strand). VCF-style: chr15-89629412-G-C. GRCh37 (hg19) VCF-style: chr15-90172643-G-C.
Other names: short protein forms H1160Q.
Identifiers: ClinVar variation 2188440 (VCV002188440.5), dbSNP rs755087413, ClinGen allele CA393754731.

ClinVar aggregate classification (germline): Uncertain significance. Review status: criteria provided, multiple submitters, no conflicts (2 of 4 stars). 2 submissions from 2 submitters: Uncertain significance (2). Last evaluated 2024-10-22.

Conditions:
Acrocallosal syndrome (ACLS). Also called: HALLUX DUPLICATION, POSTAXIAL POLYDACTYLY, AND ABSENCE OF CORPUS CALLOSUM; Schinzel syndrome 1; Absence of corpus callosum with unusual facial appearance, mental deficiency, duplication of the halluces and polydactyly. Identifiers: Orphanet 36, MedGen C0796147, MONDO:0008708, OMIM 200990.
Multiple epiphyseal dysplasia, Al-Gazali type. Also called: Macrocephaly with multiple epiphyseal dysplasia and distinctive facies. Identifiers: Orphanet 166024, MedGen C1846722, MONDO:0011778, OMIM 607131.
Hydrolethalus syndrome 2 (HLS2). Identifiers: Orphanet 2189, MedGen C3279899, MONDO:0013585, OMIM 614120.

Submissions (2):

Labcorp Genetics (formerly Invitae), Labcorp
Classification: Uncertain significance for Acrocallosal syndrome. Last evaluated: 2024-10-22. Review status: criteria provided, single submitter. Criteria: Invitae Variant Classification Sherloc (09022015). Collection method: clinical testing. Allele origin: germline.
Comment: This sequence change replaces histidine, which is basic and polar, with glutamine, which is neutral and polar, at codon 1160 of the KIF7 protein (p.His1160Gln). This variant is not present in population databases (gnomAD no frequency). This variant has not been reported in the literature in individuals affected with KIF7-related conditions. ClinVar contains an entry for this variant (Variation ID: 2188440). Invitae Evidence Modeling of protein sequence and biophysical properties (such as structural, functional, and spatial information, amino acid conservation, physicochemical variation, residue mobility, and thermodynamic stability) has been performed for this missense variant. However, the output from this modeling did not meet the statistical confidence thresholds required to predict the impact of this variant on KIF7 protein function. In summary, the available evidence is currently insufficient to determine the role of this variant in disease. Therefore, it has been classified as a Variant of Uncertain Significance.

Fulgent Genetics
Classification: Uncertain significance for Acrocallosal syndrome; Multiple epiphyseal dysplasia, Al-Gazali type; Hydrolethalus syndrome 2. Last evaluated: 2024-02-21. Review status: criteria provided, single submitter. Criteria: ACMG Guidelines, 2015. Collection method: clinical testing. Allele origin: germline.